The following is an entry in ClinVar:

ClinVar aggregate classification (germline): Uncertain significance. Review status: criteria provided, single submitter (1 of 4 stars). 2 submissions from 2 submitters: Uncertain significance (1). 1 of the submissions does not count toward it. Last evaluated 2019-05-30.

Conditions:
Charcot-Marie-Tooth disease. Also called: Charcot-Marie-Tooth Hereditary Neuropathy; Charcot-Marie-Tooth Neuropathy. Identifiers: Orphanet 166, MedGen C0007959, MONDO:0015626.

Allele frequency attached by ClinVar (database versions not stated): gnomAD exomes below 0.00001; TOPMed below 0.00001; ExAC 0.00001.
gnomAD v4.1: 2 of 1,614,220 alleles (0.00012%); highest among the groups gnomAD compares: Non-Finnish European, 0.00017%; no homozygotes.

Submissions (2):

GeneDx
Classification: Uncertain significance. Last evaluated: 2019-05-30. Review status: criteria provided, single submitter. Criteria: GeneDx Variant Classification Process June 2021. Collection method: clinical testing. Allele origin: germline. Affected: yes.
Comment: In silico analysis, which includes protein predictors and evolutionary conservation, supports that this variant does not alter protein structure/function; Not observed at a significant frequency in large population cohorts (Lek et al., 2016); This variant is associated with the following publications: (PMID: 21149811)

Inherited Neuropathy Consortium
Classification: Uncertain significance for Charcot-Marie-Tooth disease. Review status: no assertion criteria provided. Collection method: literature only. Allele origin: germline. Affected: yes. Not counted in ClinVar's aggregate classification.

Literature cited by the submitters: PubMed 21149811 (cited by Inherited Neuropathy Consortium).

NM_014874.4(MFN2):c.2140A>G (p.Ile714Val)

Gene: MFN2 (mitofusin 2; plus strand). Cytogenetic location: 1p36.22.
Variant type: single nucleotide variant.
Coding change: c.2140A>G on transcript NM_014874.4 (MANE Select); coding-DNA position 2140, A replaced by G.
Protein change: p.Ile714Val; replaces isoleucine 714 with valine.
Molecular consequence: missense variant.
Genome position (GRCh38, 1-based): chr1:12,009,662, A>G. VCF-style: chr1-12009662-A-G. GRCh37 (hg19) VCF-style: chr1-12069719-A-G.
Other names: c.2140A>G, p.Ile714Val (NM_001127660.2); short protein forms I714V.
Identifiers: ClinVar variation 637282 (VCV000637282.3), dbSNP rs779574187, ClinGen allele CA599340.
Genomic context (GRCh38, chr1:12,009,662, plus strand): 5'-GGGACCTTTGCTCATCTGTGTCAGCAAGTTGACGTCACCCGGGAGAACCTGGAGCAGGAA[A>G]TTGCCGCCATGAACAAGAAAATTGAGGTTCTTGACTCACTTCAGAGCAAAGCAAAGCTGC-3'
Protein context (NP_055689.1, residues 704-724): DVTRENLEQE[Ile714Val]AAMNKKIEVL